The following is an entry in ClinVar:

NM_001042492.3(NF1):c.2437G>A (p.Val813Ile)

Gene: NF1 (neurofibromin 1; plus strand). Cytogenetic location: 17q11.2.
Variant type: single nucleotide variant.
Coding change: c.2437G>A on transcript NM_001042492.3 (MANE Select); coding-DNA position 2437, G replaced by A.
Protein change: p.Val813Ile; replaces valine 813 with isoleucine.
Molecular consequence: missense variant.
Genome position (GRCh38, 1-based): chr17:31,229,052, G>A. VCF-style: chr17-31229052-G-A. GRCh37 (hg19) VCF-style: chr17-29556070-G-A.
Other names: c.2437G>A, p.Val813Ile (NM_000267.4); short protein forms V813I.
Identifiers: ClinVar variation 237537 (VCV000237537.5), dbSNP rs878853876, ClinGen allele CA10583485.

ClinVar aggregate classification (germline): Uncertain significance (1 of 4 stars; one submission).

Conditions:
Neurofibromatosis, type 1 (NF1). Also called: VON RECKLINGHAUSEN DISEASE; NEUROFIBROMATOSIS, TYPE I, SOMATIC; Peripheral type neurofibromatosis; Neurofibromatosis, type I. Identifiers: Orphanet 636, MedGen C0027831, MONDO:0018975, OMIM 162200. Disease mechanism: loss of function.

Submission:

Labcorp Genetics (formerly Invitae), Labcorp
Classification: Uncertain significance for Neurofibromatosis, type 1. Last evaluated: 2026-01-07. Review status: criteria provided, single submitter. Criteria: Invitae Variant Classification Sherloc (09022015). Collection method: clinical testing. Allele origin: germline.
Comment: This sequence change replaces valine, which is neutral and non-polar, with isoleucine, which is neutral and non-polar, at codon 813 of the NF1 protein (p.Val813Ile). This variant is not present in population databases (gnomAD no frequency). This variant has not been reported in the literature in individuals affected with NF1-related conditions. ClinVar contains an entry for this variant (Variation ID: 237537). Invitae Evidence Modeling of protein sequence and biophysical properties (such as structural, functional, and spatial information, amino acid conservation, physicochemical variation, residue mobility, and thermodynamic stability) indicates that this missense variant is not expected to disrupt NF1 protein function with a negative predictive value of 95%. In summary, the available evidence is currently insufficient to determine the role of this variant in disease. Therefore, it has been classified as a Variant of Uncertain Significance.